The following is an entry in ClinVar:

ClinVar aggregate classification (germline): Pathogenic. Review status: criteria provided, multiple submitters, no conflicts (2 of 4 stars). 2 submissions from 2 submitters: Pathogenic (2). Last evaluated 2025-02-23.

Submissions (2):

GeneDx
Classification: Pathogenic. Last evaluated: 2025-02-23. Review status: criteria provided, single submitter. Criteria: GeneDx Variant Classification Process June 2021. Collection method: clinical testing. Allele origin: germline. Affected: yes.
Comment: Not observed at significant frequency in large population cohorts (gnomAD); Nonsense variant predicted to result in protein truncation or nonsense mediated decay in a gene for which loss of function is a known mechanism of disease; Based on the understanding of this genetic alteration, it may be amenable to nonsense read-through therapy that is currently available or in clinical trial; This variant is associated with the following publications: (PMID: 25972034)

ARUP Laboratories, Molecular Genetics and Genomics, ARUP Laboratories
Classification: Pathogenic. Last evaluated: 2019-10-11. Review status: criteria provided, single submitter. Criteria: ARUP Molecular Germline Variant Investigation Process. Collection method: clinical testing. Allele origin: germline.
Comment: The DMD c.1249G>T; p.Glu417Ter variant is reported in the literature in a single individual who was affected with Duchenne or Becker muscular dystrophy (Guo 2015). This variant is absent from general population databases (Exome Variant Server, Genome Aggregation Database), indicating it is not a common polymorphism. This variant induces an early termination codon and is predicted to result in a truncated protein or mRNA subject to nonsense-mediated decay. Based on available information, this variant is considered pathogenic.

NM_004006.3(DMD):c.1249G>T (p.Glu417Ter)

Gene: DMD (dystrophin; minus strand). Cytogenetic location: Xp21.1.
Variant type: single nucleotide variant.
Coding change: c.1249G>T on transcript NM_004006.3 (MANE Select); coding-DNA position 1249, G replaced by T.
Protein change: p.Glu417Ter; replaces glutamic acid 417 with a stop codon.
Molecular consequence: nonsense.
Genome position (GRCh38, 1-based): chrX:32,644,214, C>A on the plus strand (G>T on the coding strand, the complement: DMD is on the minus strand). VCF-style: chrX-32644214-C-A. GRCh37 (hg19) VCF-style: chrX-32662331-C-A.
Other names: c.1225G>T, p.Glu409Ter (NM_000109.4); c.1237G>T, p.Glu413Ter (NM_004009.3); c.880G>T, p.Glu294Ter (NM_004010.3); short protein forms E294*, E409*, E413*, E417*.
Identifiers: ClinVar variation 994144 (VCV000994144.10), dbSNP rs1057515877, ClinGen allele CA412661098.